The following is an entry in ClinVar:

ClinVar aggregate classification (germline): Likely benign (0 of 4 stars; one submission).

Conditions:
LGI4-related disorder. Also called: LGI4-related condition.

Allele frequency attached by ClinVar (database versions not stated): ESP Exome Variant Server 0.00033; ExAC 0.00038; 1000 Genomes Project 30x 0.00078; gnomAD 0.00084; TOPMed 0.00091; 1000 Genomes Project 0.00100.
gnomAD v4.1: 301 of 1,553,862 alleles (0.019%); highest among the groups gnomAD compares: African/African-American, 0.33%; 1 homozygote.

Submission:

PreventionGenetics, part of Exact Sciences
Classification: Likely benign for LGI4-related condition. Last evaluated: 2019-12-09. Review status: no assertion criteria provided. Collection method: clinical testing. Allele origin: germline.
Comment: This variant is classified as likely benign based on ACMG/AMP sequence variant interpretation guidelines (Richards et al. 2015 PMID: 25741868, with internal and published modifications).

NM_139284.3(LGI4):c.795G>A (p.Ala265=)

Gene: LGI4 (leucine rich repeat LGI family member 4; minus strand). Cytogenetic location: 19q13.12.
Variant type: single nucleotide variant.
Coding change: c.795G>A on transcript NM_139284.3 (MANE Select); coding-DNA position 795, G replaced by A.
Protein change: p.Ala265=; no amino-acid change (alanine 265 retained).
Molecular consequence: synonymous variant.
Genome position (GRCh38, 1-based): chr19:35,126,774, C>T on the plus strand (G>A on the coding strand, the complement: LGI4 is on the minus strand). VCF-style: chr19-35126774-C-T. GRCh37 (hg19) VCF-style: chr19-35617678-C-T.
Identifiers: ClinVar variation 3048139 (VCV003048139.2), dbSNP rs376948182, ClinGen allele CA9373234.